The following is an entry in ClinVar:

ClinVar aggregate classification (germline): Uncertain significance (1 of 4 stars; one submission).

Conditions:
Osteogenesis imperfecta type 7 (OI7). Also called: OSTEOGENESIS IMPERFECTA, TYPE IIB; Osteogenesis imperfecta type 2B; OI type 2B; Osteogenesis imperfecta, perinatal lethal autosomal recessive; OI type IIB; OI type 7. Identifiers: MedGen C1853162, MONDO:0012536, OMIM 610682.

gnomAD v4.1: 1 of 1,523,798 alleles (0.000066%); highest among the groups gnomAD compares: South Asian, 0.0012%; no homozygotes.

Submission:

ARUP Laboratories, Molecular Genetics and Genomics, ARUP Laboratories
Classification: Uncertain significance for Osteogenesis imperfecta type 7. Last evaluated: 2024-06-14. Review status: criteria provided, single submitter. Criteria: ARUP Molecular Germline Variant Investigation Process 2024. Collection method: clinical testing. Allele origin: germline.
Comment: The CRTAP c.293C>T; p.Ala98Val variant (rs773998539), to our knowledge, is not reported in the medical literature or gene specific databases. This variant is only found on one allele in the Genome Aggregation Database (v2.1.1), indicating it is not a common polymorphism. Computational analyses predict that this variant is neutral (REVEL: 0.063). Due to limited information, the clinical significance of this variant is uncertain at this time.

NM_006371.5(CRTAP):c.293C>T (p.Ala98Val)

Gene: CRTAP (cartilage associated protein; plus strand). Cytogenetic location: 3p22.3.
Variant type: single nucleotide variant.
Coding change: c.293C>T on transcript NM_006371.5 (MANE Select); coding-DNA position 293, C replaced by T.
Protein change: p.Ala98Val; replaces alanine 98 with valine.
Molecular consequence: missense variant.
Genome position (GRCh38, 1-based): chr3:33,114,370, C>T. VCF-style: chr3-33114370-C-T. GRCh37 (hg19) VCF-style: chr3-33155862-C-T.
Other names: c.293C>T, p.Ala98Val (NM_001393363.1, NM_001393364.1, NM_001393365.1); short protein forms A98V.
Identifiers: ClinVar variation 3766664 (VCV003766664.1).